The following is an entry in ClinVar:

NM_001111.5(ADAR):c.2191C>G (p.Leu731Val)

Gene: ADAR (adenosine deaminase RNA specific; minus strand). Cytogenetic location: 1q21.3.
Variant type: single nucleotide variant.
Coding change: c.2191C>G on transcript NM_001111.5 (MANE Select); coding-DNA position 2191, C replaced by G.
Protein change: p.Leu731Val; replaces leucine 731 with valine.
Molecular consequence: missense variant.
Genome position (GRCh38, 1-based): chr1:154,596,884, G>C on the plus strand (C>G on the coding strand, the complement: ADAR is on the minus strand). VCF-style: chr1-154596884-G-C. GRCh37 (hg19) VCF-style: chr1-154569360-G-C.
Other names: c.1306C>G, p.Leu436Val (NM_001025107.3, NM_001193495.2, NM_001365046.1 and 3 more transcripts); c.2218C>G, p.Leu740Val (NM_001365045.1); c.2191C>G, p.Leu731Val (NM_015840.4); c.2134C>G, p.Leu712Val (NM_015841.4); short protein forms L436V, L740V, L712V, L731V.
Identifiers: ClinVar variation 2116218 (VCV002116218.4), dbSNP rs2526589125, ClinGen allele CA342637814.

ClinVar aggregate classification (germline): Uncertain significance (1 of 4 stars; one submission).

Conditions:
Symmetrical dyschromatosis of extremities (DSH). Also called: RETICULATE ACROPIGMENTATION OF DOHI; SYMMETRIC DYSCHROMATOSIS OF THE EXTREMITIES; Dyschromatosis symmetrica hereditaria; DYSCHROMATOSIS SYMMETRICA HEREDITARIA 1. Identifiers: Orphanet 41, MedGen C0406775, MONDO:0007483, OMIM 127400.
Aicardi-Goutieres syndrome 6 (AGS6). Identifiers: Orphanet 51, MedGen C3539013, MONDO:0014007, OMIM 615010.

Submission:

Labcorp Genetics (formerly Invitae), Labcorp
Classification: Uncertain significance for Aicardi-Goutieres syndrome 6; Symmetrical dyschromatosis of extremities. Last evaluated: 2022-03-23. Review status: criteria provided, single submitter. Criteria: Invitae Variant Classification Sherloc (09022015). Collection method: clinical testing. Allele origin: germline.
Comment: This sequence change replaces leucine, which is neutral and non-polar, with valine, which is neutral and non-polar, at codon 731 of the ADAR protein (p.Leu731Val). This variant is not present in population databases (gnomAD no frequency). In summary, the available evidence is currently insufficient to determine the role of this variant in disease. Therefore, it has been classified as a Variant of Uncertain Significance. Algorithms developed to predict the effect of missense changes on protein structure and function are either unavailable or do not agree on the potential impact of this missense change (SIFT: "Deleterious"; PolyPhen-2: "Probably Damaging"; Align-GVGD: "Class C0"). This variant has not been reported in the literature in individuals affected with ADAR-related conditions.